The following is an entry in ClinVar:

ClinVar aggregate classification (germline): Conflicting classifications of pathogenicity. Review status: criteria provided, conflicting classifications (1 of 4 stars). 4 submissions from 4 submitters: Uncertain significance (2); Likely benign (1). 1 of the submissions does not count toward it. Last evaluated 2025-06-20.

Conditions:
COG8-related disorder. Also called: COG8-related condition.
COG8-congenital disorder of glycosylation. Also called: CDG IIh; COG8-CDG. Identifiers: Orphanet 95428, MedGen C1970021, MONDO:0012635, OMIM 611182.

Allele frequency attached by ClinVar (database versions not stated): gnomAD exomes 0.00008 and 0.00005; 1000 Genomes Project 30x 0.00031; ESP Exome Variant Server 0.00046; gnomAD 0.00054 and 0.00053; ExAC 0.00024; TOPMed 0.00046; 1000 Genomes Project 0.00040.
gnomAD v4.1: 165 of 1,610,142 alleles (0.01%); highest among the groups gnomAD compares: African/African-American, 0.19%; no homozygotes.

Submissions (4):

Labcorp Genetics (formerly Invitae), Labcorp
Classification: Uncertain significance for COG8-congenital disorder of glycosylation. Last evaluated: 2025-06-20. Review status: criteria provided, single submitter. Criteria: Invitae Variant Classification Sherloc (09022015). Collection method: clinical testing. Allele origin: germline.
Comment: This sequence change replaces threonine, which is neutral and polar, with methionine, which is neutral and non-polar, at codon 561 of the COG8 protein (p.Thr561Met). This variant is present in population databases (rs143411142, gnomAD 0.2%). This variant has not been reported in the literature in individuals affected with COG8-related conditions. ClinVar contains an entry for this variant (Variation ID: 96219). Invitae Evidence Modeling of protein sequence and biophysical properties (such as structural, functional, and spatial information, amino acid conservation, physicochemical variation, residue mobility, and thermodynamic stability) indicates that this missense variant is not expected to disrupt COG8 protein function with a negative predictive value of 80%. In summary, the available evidence is currently insufficient to determine the role of this variant in disease. Therefore, it has been classified as a Variant of Uncertain Significance.

GeneDx
Classification: Likely benign. Last evaluated: 2017-02-28. Review status: criteria provided, single submitter. Criteria: GeneDx Variant Classification (06012015). Collection method: clinical testing. Allele origin: germline. Affected: yes.
Comment: This variant is considered likely benign or benign based on one or more of the following criteria: it is a conservative change, it occurs at a poorly conserved position in the protein, it is predicted to be benign by multiple in silico algorithms, and/or has population frequency not consistent with disease.

Eurofins Ntd Llc (ga)
Classification: Uncertain significance. Last evaluated: 2013-10-24. Review status: criteria provided, single submitter. Criteria: EGL Classification Definitions 2015. Collection method: clinical testing. Allele origin: germline. Observed: 1 variant allele, 1 heterozygote.

PreventionGenetics, part of Exact Sciences
Classification: Likely benign for COG8-related condition. Last evaluated: 2022-11-01. Review status: no assertion criteria provided. Collection method: clinical testing. Allele origin: germline. Not counted in ClinVar's aggregate classification.
Comment: This variant is classified as likely benign based on ACMG/AMP sequence variant interpretation guidelines (Richards et al. 2015 PMID: 25741868, with internal and published modifications).

NM_032382.5(COG8):c.1682C>T (p.Thr561Met)

Genes: COG8 (component of oligomeric golgi complex 8; minus strand), LOC130059304 (ATAC-STARR-seq lymphoblastoid silent region 7657; plus strand). Cytogenetic location: 16q22.1.
Variant type: single nucleotide variant.
Coding change: c.1682C>T on transcript NM_032382.5 (MANE Select); coding-DNA position 1682, C replaced by T.
Protein change: p.Thr561Met; replaces threonine 561 with methionine.
Molecular consequence: missense variant. On other transcripts: intron variant (2).
Genome position (GRCh38, 1-based): chr16:69,330,996, G>A on the plus strand (C>T on the coding strand, the complement: COG8 is on the minus strand). VCF-style: chr16-69330996-G-A. GRCh37 (hg19) VCF-style: chr16-69364899-G-A.
Other names: c.1823C>T, p.Thr608Met (NM_001379261.1); c.1682C>T, p.Thr561Met (NM_001379262.1, NM_001379264.1); c.1721C>T, p.Thr574Met (NM_001379263.1); c.1414-1817C>T (NM_001379266.1); c.1582+1718C>T (NM_001379265.1); short protein forms T561M, T574M, T608M.
Identifiers: ClinVar variation 96219 (VCV000096219.14), dbSNP rs143411142, ClinGen allele CA223835.